The following is an entry in ClinVar:

ClinVar aggregate classification (germline): Pathogenic (1 of 4 stars; one submission).

Conditions:
Glycogen storage disease, type V (GSD5). Also called: MCARDLE DISEASE; MUSCLE GLYCOGEN PHOSPHORYLASE DEFICIENCY; MYOPHOSPHORYLASE DEFICIENCY; PYGM DEFICIENCY; McArdle type glycogen storage disease. Identifiers: Orphanet 368, MedGen C0017924, MONDO:0009293, OMIM 232600.

Submission:

Labcorp Genetics (formerly Invitae), Labcorp
Classification: Pathogenic for Glycogen storage disease, type V. Last evaluated: 2024-03-10. Review status: criteria provided, single submitter. Criteria: Invitae Variant Classification Sherloc (09022015). Collection method: clinical testing. Allele origin: germline.
Comment: This sequence change creates a premature translational stop signal (p.Asp307Glyfs*15) in the PYGM gene. It is expected to result in an absent or disrupted protein product. Loss-of-function variants in PYGM are known to be pathogenic (PMID: 8316268, 16786513). This variant is not present in population databases (gnomAD no frequency). This variant has not been reported in the literature in individuals affected with PYGM-related conditions. For these reasons, this variant has been classified as Pathogenic.

Literature cited by the submitters: PubMed 8316268; PubMed 16786513.

NM_005609.4(PYGM):c.917dup (p.Asp307fs)

Gene: PYGM (glycogen phosphorylase, muscle associated; minus strand). Cytogenetic location: 11q13.1.
Variant type: Duplication.
Coding change: c.917dup on transcript NM_005609.4 (MANE Select); coding-DNA position 917, one base duplicated (A; older notation c.917dupA).
Protein change: p.Asp307fs; shifts the reading frame from aspartic acid 307.
Molecular consequence: frameshift variant.
Genome position (GRCh38, 1-based): chr11:64,754,775, T duplicated on the plus strand (A on the coding strand, the reverse complement: PYGM is on the minus strand). VCF-style (leftmost placement, unchanged base first): chr11-64754774-C-CT. GRCh37 (hg19) VCF-style: chr11-64522246-C-CT.
Other names: c.653dup, p.Asp219fs (NM_001164716.1); short protein forms D219fs, D307fs.
Identifiers: ClinVar variation 3643561 (VCV003643561.2).